The following is an entry in ClinVar:

ClinVar aggregate classification (germline): Conflicting classifications of pathogenicity. Review status: criteria provided, conflicting classifications (1 of 4 stars). 3 submissions from 3 submitters: Uncertain significance (1); Benign (1); Likely benign (1). Last evaluated 2023-05-20.

Conditions:
Wolfram syndrome 1 (WFS1). Identifiers: Orphanet 3463, MedGen C4551693, MONDO:0009101, OMIM 222300.

Allele frequency attached by ClinVar (database versions not stated): gnomAD 0.00001 and 0.00002; gnomAD exomes 0.00001; ExAC 0.00002; TOPMed 0.00002; 1000 Genomes Project 30x 0.00016; 1000 Genomes Project 0.00020.

Submissions (3):

Labcorp Genetics (formerly Invitae), Labcorp
Classification: Likely benign. Last evaluated: 2023-05-20. Review status: criteria provided, single submitter. Criteria: Invitae Variant Classification Sherloc (09022015). Collection method: clinical testing. Allele origin: germline.

Eurofins Ntd Llc (ga)
Classification: Uncertain significance. Last evaluated: 2016-09-07. Review status: criteria provided, single submitter. Criteria: EGL Classification Definitions 2015. Collection method: clinical testing. Allele origin: germline. Observed: 1 variant allele, 1 heterozygote.

Clinical Genomics, Uppaluri K&H Personalized Medicine Clinic
Classification: Benign for Wolfram syndrome 1. Review status: criteria provided, single submitter. Criteria: K & H Uppaluri Personalized Medicine Clinic Variant Classification & Assertion Criteria_Updated V.1. Collection method: research. Allele origin: unknown. Inheritance: Autosomal recessive inheritance.
Comment: Potent mutations in WFS1 gene are associated with Wolfram's syndrome, an autosomal recessive condition, which cause diabetes mellitus, diabetes insipidus, deafness and optic atrophy. However no sufficient evidence is found to ascertain the role of this particular variant rs530734300 in Wolfram's syndrome yet.

Literature cited by the submitters: PubMed 20738327 (cited by Clinical Genomics, Uppaluri K&H Personalized Medicine Clinic); PubMed 33879153 (cited by Clinical Genomics, Uppaluri K&H Personalized Medicine Clinic); PubMed 12955714 (cited by Clinical Genomics, Uppaluri K&H Personalized Medicine Clinic); PubMed 18060660 (cited by Clinical Genomics, Uppaluri K&H Personalized Medicine Clinic); PubMed 20301750 (cited by Clinical Genomics, Uppaluri K&H Personalized Medicine Clinic); PubMed 17603484 (cited by Clinical Genomics, Uppaluri K&H Personalized Medicine Clinic).

NM_006005.3(WFS1):c.1416C>A (p.Pro472=)

Gene: WFS1 (wolframin ER transmembrane glycoprotein; plus strand). Cytogenetic location: 4p16.1.
Variant type: single nucleotide variant.
Coding change: c.1416C>A on transcript NM_006005.3 (MANE Select); coding-DNA position 1416, C replaced by A.
Protein change: p.Pro472=; no amino-acid change (proline 472 retained).
Molecular consequence: synonymous variant.
Genome position (GRCh38, 1-based): chr4:6,301,211, C>A. VCF-style: chr4-6301211-C-A. GRCh37 (hg19) VCF-style: chr4-6302938-C-A.
Other names: c.1416C>A, p.Pro472= (NM_001145853.1).
Identifiers: ClinVar variation 290800 (VCV000290800.13), dbSNP rs530734300, ClinGen allele CA2839341.